The following is an entry in ClinVar:

NM_001256789.3(CACNA1F):c.5263C>T (p.Pro1755Ser)

Gene: CACNA1F (calcium voltage-gated channel subunit alpha1 F; minus strand). Cytogenetic location: Xp11.23.
Variant type: single nucleotide variant.
Coding change: c.5263C>T on transcript NM_001256789.3 (MANE Select); coding-DNA position 5263, C replaced by T.
Protein change: p.Pro1755Ser; replaces proline 1755 with serine.
Molecular consequence: missense variant.
Genome position (GRCh38, 1-based): chrX:49,206,824, G>A on the plus strand (C>T on the coding strand, the complement: CACNA1F is on the minus strand). VCF-style: chrX-49206824-G-A. GRCh37 (hg19) VCF-style: chrX-49063285-G-A.
Other names: c.5101C>T, p.Pro1701Ser (NM_001256790.3); c.5296C>T, p.Pro1766Ser (NM_005183.4); short protein forms P1701S, P1755S, P1766S.
Identifiers: ClinVar variation 1054629 (VCV001054629.10), dbSNP rs782658023, ClinGen allele CA10410014.

ClinVar aggregate classification (germline): Uncertain significance (1 of 4 stars; one submission).

Allele frequency attached by ClinVar (database versions not stated): ExAC 0.00001; gnomAD exomes 0.00001 and 0.00003; gnomAD 0.00002; TOPMed 0.00002.
gnomAD v4.1: 6 of 1,202,717 alleles (0.0005%); highest among the groups gnomAD compares: Admixed American, 0.013%; no homozygotes.

Submission:

Labcorp Genetics (formerly Invitae), Labcorp
Classification: Uncertain significance. Last evaluated: 2022-06-13. Review status: criteria provided, single submitter. Criteria: Invitae Variant Classification Sherloc (09022015). Collection method: clinical testing. Allele origin: germline.
Comment: In summary, the available evidence is currently insufficient to determine the role of this variant in disease. Therefore, it has been classified as a Variant of Uncertain Significance. Algorithms developed to predict the effect of missense changes on protein structure and function (SIFT, PolyPhen-2, Align-GVGD) all suggest that this variant is likely to be tolerated. ClinVar contains an entry for this variant (Variation ID: 1054629). This variant has not been reported in the literature in individuals affected with CACNA1F-related conditions. This variant is present in population databases (rs782658023, gnomAD 0.02%). This sequence change replaces proline, which is neutral and non-polar, with serine, which is neutral and polar, at codon 1766 of the CACNA1F protein (p.Pro1766Ser).